The following is an entry in ClinVar:

ClinVar aggregate classification (germline): Benign/Likely benign. Review status: criteria provided, multiple submitters, no conflicts (2 of 4 stars). 3 submissions from 3 submitters: Benign (1); Likely benign (2). Last evaluated 2024-11-11.

Conditions:
Hereditary cancer-predisposing syndrome. Also called: Neoplastic Syndromes, Hereditary; Hereditary neoplastic syndrome; Hereditary Cancer Syndrome; Tumor predisposition. Identifiers: Orphanet 140162, MedGen C0027672, MeSH D009386, MONDO:0015356.
Renal cell carcinoma. Identifiers: Orphanet 217071, MedGen C0007134, MeSH D002292, MONDO:0005086, HP:0005584.
Papillary renal cell carcinoma type 1 (RCCP1). Also called: RENAL CELL CARCINOMA, PAPILLARY, 1, SOMATIC; Renal adenocarcinoma; Renal cell carcinoma 1; Renal cell carcinoma, somatic. Identifiers: Orphanet 47044, MedGen C1336839, OMIM 605074, HP:0011797.

Submissions (3):

Myriad Genetics, Inc.
Classification: Benign for Papillary renal cell carcinoma type 1. Last evaluated: 2024-11-11. Review status: criteria provided, single submitter. Criteria: Myriad Autosomal Dominant, Autosomal Recessive and X-Linked Classification Criteria (2023). Collection method: clinical testing. Allele origin: unknown.
Comment: This variant is considered benign. This variant is a silent/synonymous amino acid change and it is not expected to impact splicing.

Ambry Genetics
Classification: Likely benign for Hereditary cancer-predisposing syndrome. Last evaluated: 2024-09-13. Review status: criteria provided, single submitter. Criteria: Ambry Variant Classification Scheme 2023. Collection method: clinical testing. Allele origin: germline.

Labcorp Genetics (formerly Invitae), Labcorp
Classification: Likely benign for Renal cell carcinoma. Last evaluated: 2022-10-27. Review status: criteria provided, single submitter. Criteria: Invitae Variant Classification Sherloc (09022015). Collection method: clinical testing. Allele origin: germline.

NM_000245.4(MET):c.2443C>T (p.Leu815=)

Gene: MET (MET proto-oncogene, receptor tyrosine kinase; plus strand). Cytogenetic location: 7q31.2.
Variant type: single nucleotide variant.
Coding change: c.2443C>T on transcript NM_000245.4 (MANE Select); coding-DNA position 2443, C replaced by T.
Protein change: p.Leu815=; no amino-acid change (leucine 815 retained).
Molecular consequence: synonymous variant.
Genome position (GRCh38, 1-based): chr7:116,763,128, C>T. VCF-style: chr7-116763128-C-T. GRCh37 (hg19) VCF-style: chr7-116403182-C-T.
Other names: c.2497C>T (NM_001127500.1); c.2497C>T, p.Leu833= (NM_001127500.3); c.2443C>T, p.Leu815= (NM_001324401.3); c.1153C>T, p.Leu385= (NM_001324402.2).
Identifiers: ClinVar variation 1627199 (VCV001627199.10), dbSNP rs2116955196, ClinGen allele CA457441101.
Genomic context (GRCh38, chr7:116,763,128, plus strand): 5'-AATTCAGAGATAATCTGTTGTACCACTCCTTCCCTGCAACAGCTGAATCTGCAACTCCCC[C>T]TGAAAACCAAAGCCTTTTTCATGTTAGATGGGATCCTTTCCAAATACTTTGATCTCATTT-3'
Protein context (NP_000236.2, residues 805-825): SLQQLNLQLP[Leu815=]KTKAFFMLDG